The following is an entry in ClinVar:

NM_020937.4(FANCM):c.2244A>G (p.Gln748=)

Gene: FANCM (FA complementation group M; plus strand). Cytogenetic location: 14q21.2.
Variant type: single nucleotide variant.
Coding change: c.2244A>G on transcript NM_020937.4 (MANE Select); coding-DNA position 2244, A replaced by G.
Protein change: p.Gln748=; no amino-acid change (glutamine 748 retained).
Molecular consequence: synonymous variant.
Genome position (GRCh38, 1-based): chr14:45,173,138, A>G. VCF-style: chr14-45173138-A-G. GRCh37 (hg19) VCF-style: chr14-45642341-A-G.
Other names: c.2166A>G, p.Gln722= (NM_001308133.2).
Identifiers: ClinVar variation 1038067 (VCV001038067.12), dbSNP rs751605791, ClinGen allele CA486140314.

ClinVar aggregate classification (germline): Conflicting classifications of pathogenicity. Review status: criteria provided, conflicting classifications (1 of 4 stars). 2 submissions from 2 submitters: Uncertain significance (1); Likely benign (1). Last evaluated 2024-08-05.

Conditions:
Fanconi anemia (FA). Also called: Fanconi's anemia. Identifiers: Orphanet 84, MedGen C0015625, MeSH D005199, MONDO:0019391.

Allele frequency attached by ClinVar (database versions not stated): TOPMed below 0.00001; gnomAD 0.00001.
gnomAD v4.1: 8 of 1,612,848 alleles (0.0005%); highest among the groups gnomAD compares: Non-Finnish European, 0.00059%; no homozygotes.

Submissions (2):

Labcorp Genetics (formerly Invitae), Labcorp
Classification: Likely benign for Fanconi anemia. Last evaluated: 2024-08-05. Review status: criteria provided, single submitter. Criteria: Invitae Variant Classification Sherloc (09022015). Collection method: clinical testing. Allele origin: germline.

Genetic Services Laboratory, University of Chicago
Classification: Uncertain significance. Last evaluated: 2021-08-25. Review status: criteria provided, single submitter. Criteria: ACMG Guidelines, 2015. Collection method: clinical testing. Allele origin: germline. Affected: no.
Comment: DNA sequence analysis of the FANCM gene demonstrated a sequence change, c.2244A>G, in exon 13 which does not result in an amino acid change. This sequence change does not appear to have been previously described in patients with FANCM-related disorders and has not been described in the population databases such as ExAC and gnomAD (dbSNP rs751605791). This sequence change is predicted to have a deleterious effect (may create or strengthen a splice site) on splicing based on in silico splice prediction programs. This sequence change is not clearly predicted to have a deleterious effect on splicing based on in silico splice prediction programs. As the c.2244A>G sequence change does not result in a change in the FANCM amino acid sequence, it is possible that this change is non-pathogenic and represents a benign sequence variant of the FANCM gene, however functional studies have not been performed to prove this conclusively. The functional significance of this sequence change is not known at present and its contribution to this patient's disease phenotype cannot definitively be determined.